The following is an entry in ClinVar:

ClinVar aggregate classification (germline): Uncertain significance (1 of 4 stars; one submission).

Submission:

Women's Health and Genetics/Laboratory Corporation of America, LabCorp
Classification: Uncertain significance. Last evaluated: 2025-03-31. Review status: criteria provided, single submitter. Criteria: LabCorp Variant Classification Summary - May 2015. Collection method: clinical testing. Allele origin: germline.
Comment: Variant summary: CHD1 c.1085+2T>G is located in a canonical splice-site and is predicted to affect mRNA splicing resulting in a significantly altered protein due to either exon skipping, shortening, or inclusion of intronic material. Variants that disrupt the consensus splice site are a relatively common cause of aberrant splicing, however current evidence is not sufficient to establish loss of function as a mechanism for disease. Several computational tools predict a significant impact on normal splicing: Four predict the variant abolishes a 5' splicing donor site. One predict the variant creates a 5' donor site. However, these predictions have yet to be confirmed by functional studies. The variant was absent in 1535414 control chromosomes. The available data on variant occurrences in the general population are insufficient to allow any conclusion about variant significance. To our knowledge, no occurrence of c.1085+2T>G in individuals affected with Pilarowski-Bjornsson Syndrome and no experimental evidence demonstrating its impact on protein function have been reported. No submitters have cited clinical-significance assessments for this variant to ClinVar. Based on the evidence outlined above, the variant was classified as uncertain significance.

NM_001270.4(CHD1):c.1085+2T>G

Gene: CHD1 (chromodomain helicase DNA binding protein 1; minus strand). Cytogenetic location: 5q15.
Variant type: single nucleotide variant.
Coding change: c.1085+2T>G on transcript NM_001270.4 (MANE Select); the canonical splice donor site of the intron after coding-DNA position 1085, T replaced by G.
Molecular consequence: splice donor variant.
Genome position (GRCh38, 1-based): chr5:98,899,478, A>C on the plus strand (T>G on the coding strand, the complement: CHD1 is on the minus strand). VCF-style: chr5-98899478-A-C. GRCh37 (hg19) VCF-style: chr5-98235182-A-C.
Other names: c.1085+2T>G (NM_001376194.2, NM_001364113.3).
Identifiers: ClinVar variation 3895984 (VCV003895984.1).